The following is an entry in ClinVar:

NM_017637.6(BNC2):c.1738G>A (p.Gly580Arg)

Genes: BNC2 (basonuclin zinc finger protein 2; minus strand), LOC126860585 (MED14-independent group 3 enhancer GRCh37_chr9:16435259-16436458; plus strand). Cytogenetic location: 9p22.3.
Variant type: single nucleotide variant.
Coding change: c.1738G>A on transcript NM_017637.6 (MANE Select); coding-DNA position 1738, G replaced by A.
Protein change: p.Gly580Arg; replaces glycine 580 with arginine.
Molecular consequence: missense variant.
Genome position (GRCh38, 1-based): chr9:16,436,456, C>T on the plus strand (G>A on the coding strand, the complement: BNC2 is on the minus strand). VCF-style: chr9-16436456-C-T. GRCh37 (hg19) VCF-style: chr9-16436454-C-T.
Other names: c.1612G>A, p.Gly538Arg (NM_001317939.2); c.1453G>A, p.Gly485Arg (NM_001317940.2); short protein forms G580R, G538R, G485R.
Identifiers: ClinVar variation 120231 (VCV000120231.1), dbSNP rs483353012, ClinGen allele CA204320.

ClinVar aggregate classification (germline): not provided (0 of 4 stars; one submission).

Conditions:
Hypotension. Also called: Hypotensive disorder; low blood pressure. Identifiers: MedGen C0020649, MONDO:0005468, HP:0002615, MeSH D007022.

Submission:

Centre for molecular medicine, Karolinska Institutet
No classification provided. Condition: Hypotension. Review status: no classification provided. Collection method: not provided. Allele origin: not provided.
Comment: hold until published